The following is an entry in ClinVar:

ClinVar aggregate classification (germline): Conflicting classifications of pathogenicity. Review status: criteria provided, conflicting classifications (1 of 4 stars). 4 submissions from 4 submitters: Uncertain significance (3); Likely benign (1). Last evaluated 2025-12-03.

Conditions:
KCNT1-related disorder. Also called: KCNT1-related condition.
Developmental and epileptic encephalopathy, 14 (DEE14). Also called: Early infantile epileptic encephalopathy 14. Identifiers: Orphanet 293181, MedGen C3554195, MONDO:0013989, OMIM 614959.
Autosomal dominant nocturnal frontal lobe epilepsy 5. Also called: KCNT1-Related Epilepsy; CILIARY DYSKINESIA, PRIMARY, 28, WITHOUT SITUS INVERSUS; CILIARY DYSKINESIA, PRIMARY, 28, WITH SITUS INVERSUS; Epilepsy, nocturnal frontal lobe, 5. Identifiers: Orphanet 98784, MedGen C3554306, MONDO:0014002, OMIM 615005.

Allele frequency attached by ClinVar (database versions not stated): gnomAD 0.00005 and 0.00006; gnomAD exomes 0.00005 and 0.00008; ExAC 0.00008; ESP Exome Variant Server 0.00008; TOPMed 0.00009.
gnomAD v4.1: 88 of 1,613,780 alleles (0.0055%); highest among the groups gnomAD compares: Middle Eastern, 0.049%; no homozygotes.

Submissions (4):

Labcorp Genetics (formerly Invitae), Labcorp
Classification: Uncertain significance for Autosomal dominant nocturnal frontal lobe epilepsy 5; Developmental and epileptic encephalopathy, 14. Last evaluated: 2025-12-03. Review status: criteria provided, single submitter. Criteria: Invitae Variant Classification Sherloc (09022015). Collection method: clinical testing. Allele origin: germline.
Comment: This sequence change replaces glutamic acid, which is acidic and polar, with lysine, which is basic and polar, at codon 892 of the KCNT1 protein (p.Glu892Lys). This variant is present in population databases (rs376757326, gnomAD 0.03%), and has an allele count higher than expected for a pathogenic variant. This missense change has been observed in individual(s) with focal epilepsy (PMID: 31875159). ClinVar contains an entry for this variant (Variation ID: 389773). Invitae Evidence Modeling of protein sequence and biophysical properties (such as structural, functional, and spatial information, amino acid conservation, physicochemical variation, residue mobility, and thermodynamic stability) indicates that this missense variant is not expected to disrupt KCNT1 protein function with a negative predictive value of 80%. In summary, the available evidence is currently insufficient to determine the role of this variant in disease. Therefore, it has been classified as a Variant of Uncertain Significance.

PreventionGenetics, part of Exact Sciences
Classification: Uncertain significance for KCNT1-related condition. Last evaluated: 2023-09-18. Review status: criteria provided, single submitter. Criteria: ACMG Guidelines, 2015. Collection method: clinical testing. Allele origin: germline.
Comment: The KCNT1 c.2674G>A variant is predicted to result in the amino acid substitution p.Glu892Lys. This variant was reported in an individual with focal epilepsy (Table S2, Kang et al. 2019. PubMed ID: 31875159). This variant is reported in 0.035% of alleles in individuals of East Asian descent in gnomAD. While we suspect this variant may be benign, at this time, the clinical significance of this variant is uncertain due to the absence of conclusive functional and genetic evidence.

GeneDx
Classification: Likely benign. Last evaluated: 2021-02-09. Review status: criteria provided, single submitter. Criteria: GeneDx Variant Classification Process June 2021. Collection method: clinical testing. Allele origin: germline. Affected: yes.
Comment: This variant is associated with the following publications: (PMID: 31875159)

Center for Genomics, Ann and Robert H. Lurie Children's Hospital of Chicago
Classification: Uncertain significance for Developmental and epileptic encephalopathy, 14; Autosomal dominant nocturnal frontal lobe epilepsy 5. Review status: criteria provided, single submitter. Criteria: ACMG Guidelines, 2015. Collection method: clinical testing. Allele origin: germline.
Comment: This variant has been reported in the literature in 1 individual with focal epilepsy (Kang 2019 PMID:31875159). This variant is present in the Genome Aggregation Database (Highest reported MAF 0.009% (4/41414). This variant is present in ClinVar (Variation ID:389773). This variant amino acid Lysine (Lys) is present in 2 mammal species but is otherwise highly conserved. Additional computational prediction tools for this variant are unclear. In summary, data on this variant is insufficient for disease classification. Therefore, the clinical significance of this variant is uncertain.

Literature cited by the submitters: PubMed 31875159 (cited by Labcorp Genetics (formerly Invitae), Labcorp).

NM_020822.3(KCNT1):c.2674G>A (p.Glu892Lys)

Gene: KCNT1 (potassium sodium-activated channel subfamily T member 1; plus strand). Cytogenetic location: 9q34.3.
Variant type: single nucleotide variant.
Coding change: c.2674G>A on transcript NM_020822.3 (MANE Select); coding-DNA position 2674, G replaced by A.
Protein change: p.Glu892Lys; replaces glutamic acid 892 with lysine.
Molecular consequence: missense variant.
Genome position (GRCh38, 1-based): chr9:135,778,767, G>A. VCF-style: chr9-135778767-G-A. GRCh37 (hg19) VCF-style: chr9-138670613-G-A.
Other names: c.2539G>A, p.Glu847Lys (NM_001272003.2); short protein forms E892K, E847K.
Identifiers: ClinVar variation 389773 (VCV000389773.15), dbSNP rs376757326, ClinGen allele CA5327387.